The following is an entry in ClinVar:

NM_000390.4(CHM):c.1770+1G>C

Gene: CHM (CHM Rab escort protein; minus strand). Cytogenetic location: Xq21.2.
Variant type: single nucleotide variant.
Coding change: c.1770+1G>C on transcript NM_000390.4 (MANE Select); the canonical splice donor site of the intron after coding-DNA position 1770, G replaced by C.
Molecular consequence: splice donor variant.
Genome position (GRCh38, 1-based): chrX:85,873,051, C>G on the plus strand (G>C on the coding strand, the complement: CHM is on the minus strand). VCF-style: chrX-85873051-C-G. GRCh37 (hg19) VCF-style: chrX-85128056-C-G.
Other names: c.1326+1G>C (NM_001362519.1, NM_001362517.1, NM_001320959.1 and 1 more transcripts).
Identifiers: ClinVar variation 2032779 (VCV002032779.5), dbSNP rs2520014009, ClinGen allele CA413786196.
Genomic context (GRCh38, chrX:85,873,051, plus strand): 5'-AAAATATTTCCCAACCACACCAACATCTTAATACAAAACTGAGAAACATCAAGAGCCTTA[C>G]CTGTTTGACTGCATTATCATTTCCTAAACCACAATCTGGGCCAGAGCAGACATAAACGTT-3'

ClinVar aggregate classification (germline): Pathogenic/Likely pathogenic. Review status: criteria provided, multiple submitters, no conflicts (2 of 4 stars). 2 submissions from 2 submitters: Pathogenic (1); Likely pathogenic (1). Last evaluated 2024-05-23.

Conditions:
CHM-related disorders.

Submissions (2):

Blueprint Genetics
Classification: Likely pathogenic for CHM-related disorders. Last evaluated: 2024-05-23. Review status: criteria provided, single submitter. Criteria: ACMG Guidelines, 2015. Collection method: clinical testing. Allele origin: germline. Affected: yes. Observed: 1 variant allele.

Labcorp Genetics (formerly Invitae), Labcorp
Classification: Pathogenic. Last evaluated: 2022-09-27. Review status: criteria provided, single submitter. Criteria: Invitae Variant Classification Sherloc (09022015). Collection method: clinical testing. Allele origin: germline.
Comment: This sequence change affects a donor splice site in intron 14 of the CHM gene. While this variant is not anticipated to result in nonsense mediated decay, it likely alters RNA splicing and results in a disrupted protein product. This variant is not present in population databases (gnomAD no frequency). Disruption of this splice site has been observed in individual(s) with choroideremia (PMID: 33538369). Variants that disrupt the consensus splice site are a relatively common cause of aberrant splicing (PMID: 17576681, 9536098). Algorithms developed to predict the effect of sequence changes on RNA splicing suggest that this variant may disrupt the consensus splice site. This variant disrupts a region of the CHM protein in which other variant(s) (p.Glu592Valfs*44) have been determined to be pathogenic (Invitae). This suggests that this is a clinically significant region of the protein, and that variants that disrupt it are likely to be disease-causing. For these reasons, this variant has been classified as Pathogenic.

Literature cited by the submitters: PubMed 33538369 (cited by Labcorp Genetics (formerly Invitae), Labcorp); PubMed 17576681 (cited by Labcorp Genetics (formerly Invitae), Labcorp); PubMed 9536098 (cited by Labcorp Genetics (formerly Invitae), Labcorp).